The following is an entry in ClinVar:

NM_017831.4(RNF125):c.24C>G (p.Asp8Glu)

Genes: RNF125 (ring finger protein 125; plus strand), LOC121852963 (Sharpr-MPRA regulatory region 13938; plus strand). Cytogenetic location: 18q12.1.
Variant type: single nucleotide variant.
Coding change: c.24C>G on transcript NM_017831.4 (MANE Select); coding-DNA position 24, C replaced by G.
Protein change: p.Asp8Glu; replaces aspartic acid 8 with glutamic acid.
Molecular consequence: missense variant.
Genome position (GRCh38, 1-based): chr18:32,018,887, C>G. VCF-style: chr18-32018887-C-G. GRCh37 (hg19) VCF-style: chr18-29598850-C-G.
Other names: short protein forms D8E.
Identifiers: ClinVar variation 1806236 (VCV001806236.8), dbSNP rs759640087, ClinGen allele CA8930357.

ClinVar aggregate classification (germline): Conflicting classifications of pathogenicity. Review status: criteria provided, conflicting classifications (1 of 4 stars). 3 submissions from 3 submitters: Uncertain significance (1); Likely benign (2). Last evaluated 2024-11-18.

Conditions:
Inborn genetic diseases. Identifiers: MedGen C0950123, MeSH D030342.
Tenorio syndrome (TNORS). Also called: OVERGROWTH, MACROCEPHALY, AND INTELLECTUAL DISABILITY SYNDROME. Identifiers: MedGen C4015710, MONDO:0014553, OMIM 616260.

Allele frequency attached by ClinVar (database versions not stated): gnomAD 0.00007; gnomAD exomes 0.00007; TOPMed 0.00009; ExAC 0.00014.
gnomAD v4.1: 120 of 1,594,160 alleles (0.0075%); highest among the groups gnomAD compares: Middle Eastern, 0.083%; no homozygotes.

Submissions (3):

Labcorp Genetics (formerly Invitae), Labcorp
Classification: Uncertain significance for Tenorio syndrome. Last evaluated: 2024-11-18. Review status: criteria provided, single submitter. Criteria: Invitae Variant Classification Sherloc (09022015). Collection method: clinical testing. Allele origin: germline.
Comment: This sequence change replaces aspartic acid, which is acidic and polar, with glutamic acid, which is acidic and polar, at codon 8 of the RNF125 protein (p.Asp8Glu). This variant is present in population databases (rs759640087, gnomAD 0.04%), and has an allele count higher than expected for a pathogenic variant. This variant has not been reported in the literature in individuals affected with RNF125-related conditions. ClinVar contains an entry for this variant (Variation ID: 1806236). An algorithm developed to predict the effect of missense changes on protein structure and function outputs the following: PolyPhen-2: "Benign". The glutamic acid amino acid residue is found in multiple mammalian species, which suggests that this missense change does not adversely affect protein function. In summary, the available evidence is currently insufficient to determine the role of this variant in disease. Therefore, it has been classified as a Variant of Uncertain Significance.

Ambry Genetics
Classification: Likely benign for Inborn genetic diseases. Last evaluated: 2023-04-26. Review status: criteria provided, single submitter. Criteria: Ambry Variant Classification Scheme 2023. Collection method: clinical testing. Allele origin: germline.

Victorian Clinical Genetics Services, Murdoch Childrens Research Institute
Classification: Likely benign for Tenorio syndrome. Last evaluated: 2019-08-28. Review status: criteria provided, single submitter. Criteria: ACMG Guidelines, 2015. Collection method: clinical testing. Allele origin: germline. Inheritance: Autosomal dominant inheritance.
Comment: A heterozygous missense variant, NM_017831.3(RNF125):c.24C>G, has been identified in exon 0 of the RNF125 gene. The variant is predicted to result in a minor amino acid change from aspartic acid to glutamic acid at position 8 of the protein (NP_060301.2(RNF125):p.(Asp8Glu)). The aspartic acid residue at this position has low conservation (100 vertebrates, UCSC), but is not located within a well established functional domain. In silico predictions for this variant are consistently benign (Polyphen, SIFT, CADD, Mutation Taster). The variant is present in the gnomAD database at a frequency of 0.009% (21 heterozygotes, 0 homozygotes). This variant has not been previously reported in clinical cases. Based on the information available at the time of curation, this variant has been classified as LIKELY BENIGN.